The following is an entry in ClinVar:

ClinVar aggregate classification (germline): Uncertain significance. Review status: criteria provided, multiple submitters, no conflicts (2 of 4 stars). 2 submissions from 2 submitters: Uncertain significance (2). Last evaluated 2025-07-22.

Conditions:
Imerslund-Grasbeck syndrome. Also called: ENTEROCYTE COBALAMIN MALABSORPTION; ENTEROCYTE INTRINSIC FACTOR RECEPTOR, DEFECT OF; PERNICIOUS ANEMIA, JUVENILE, DUE TO SELECTIVE INTESTINAL MALABSORPTION OF VITAMIN B12, WITH PROTEINURIA; Megaloblastic anemia due to inborn errors of metabolism; Imerslund-Gräsbeck syndrome. Identifiers: Orphanet 35858, MedGen C4551825, MONDO:0009853.

Allele frequency attached by ClinVar (database versions not stated): gnomAD 0.00003 and 0.00007; 1000 Genomes Project 0.00040; 1000 Genomes Project 30x 0.00062.
gnomAD v4.1: 123 of 1,613,762 alleles (0.0076%); highest among the groups gnomAD compares: South Asian, 0.067%; 2 homozygotes.

Submissions (2):

GeneDx
Classification: Uncertain significance. Last evaluated: 2025-07-22. Review status: criteria provided, single submitter. Criteria: GeneDx Variant Classification Process June 2021. Collection method: clinical testing. Allele origin: germline. Affected: yes.
Comment: In silico analysis suggests that this missense variant does not alter protein structure/function; Has not been previously published as pathogenic or benign to our knowledge

Labcorp Genetics (formerly Invitae), Labcorp
Classification: Uncertain significance for Imerslund-Grasbeck syndrome. Last evaluated: 2021-11-13. Review status: criteria provided, single submitter. Criteria: Invitae Variant Classification Sherloc (09022015). Collection method: clinical testing. Allele origin: germline.
Comment: This sequence change replaces threonine, which is neutral and polar, with methionine, which is neutral and non-polar, at codon 1580 of the CUBN protein (p.Thr1580Met). This variant is present in population databases (rs550619948, gnomAD 0.09%). This variant has not been reported in the literature in individuals affected with CUBN-related conditions. Algorithms developed to predict the effect of missense changes on protein structure and function output the following: SIFT: "Tolerated"; PolyPhen-2: "Benign"; Align-GVGD: "Class C0". The methionine amino acid residue is found in multiple mammalian species, which suggests that this missense change does not adversely affect protein function. In summary, the available evidence is currently insufficient to determine the role of this variant in disease. Therefore, it has been classified as a Variant of Uncertain Significance.

NM_001081.4(CUBN):c.4739C>T (p.Thr1580Met)

Gene: CUBN (cubilin; minus strand). Cytogenetic location: 10p13.
Variant type: single nucleotide variant.
Coding change: c.4739C>T on transcript NM_001081.4 (MANE Select); coding-DNA position 4739, C replaced by T.
Protein change: p.Thr1580Met; replaces threonine 1580 with methionine.
Molecular consequence: missense variant.
Genome position (GRCh38, 1-based): chr10:16,954,505, G>A on the plus strand (C>T on the coding strand, the complement: CUBN is on the minus strand). VCF-style: chr10-16954505-G-A. GRCh37 (hg19) VCF-style: chr10-16996504-G-A.
Other names: c.4739C>T (NM_001081.3); short protein forms T1580M.
Identifiers: ClinVar variation 1411156 (VCV001411156.4), dbSNP rs550619948, ClinGen allele CA5424268.
Genomic context (GRCh38, chr10:16,954,505, plus strand): 5'-CTCAAGAAGAGGCTGTTTCCTGAGGAGACGATGGGGTTAGCCAGCTGCTCCCTTCCACAC[G>A]TCCTGGCAAGGCGGGACATTGTGGAGCTTAAGCCATCGTATGCCTACAAGAAAGGAGACA-3'
Protein context (NP_001072.2, residues 1570-1590): LSSTMSRLAR[Thr1580Met]CGREQLANPI